The following is an entry in ClinVar:

NM_000018.4(ACADVL):c.1322G>C (p.Gly441Ala)

Gene: ACADVL (acyl-CoA dehydrogenase very long chain; plus strand). Cytogenetic location: 17p13.1.
Variant type: single nucleotide variant.
Coding change: c.1322G>C on transcript NM_000018.4 (MANE Select); coding-DNA position 1322, G replaced by C.
Protein change: p.Gly441Ala; replaces glycine 441 with alanine.
Molecular consequence: missense variant.
Genome position (GRCh38, 1-based): chr17:7,223,865, G>C. VCF-style: chr17-7223865-G-C. GRCh37 (hg19) VCF-style: chr17-7127184-G-C.
Other names: c.1256G>C, p.Gly419Ala (NM_001033859.3); c.1391G>C, p.Gly464Ala (NM_001270447.2); c.1094G>C, p.Gly365Ala (NM_001270448.2); short protein forms G365A, G419A, G464A, G441A.
Identifiers: ClinVar variation 803305 (VCV000803305.13), dbSNP rs2309689, ClinGen allele CA397724865.

ClinVar aggregate classification (germline): Conflicting classifications of pathogenicity. Review status: criteria provided, conflicting classifications (1 of 4 stars). 5 submissions from 5 submitters: Pathogenic (1); Likely pathogenic (1); Uncertain significance (3). Last evaluated 2026-08-06.

Conditions:
Very long chain acyl-CoA dehydrogenase deficiency (ACADVLD). Also called: Very Long-Chain Acyl-Coenzyme A Dehydrogenase Deficiency; VLCAD Deficiency. Identifiers: Orphanet 26793, MedGen C3887523, MONDO:0008723, OMIM 201475.

gnomAD v4.1: 1 of 1,614,040 alleles (0.000062%); highest among the groups gnomAD compares: Non-Finnish European, 0.000085%; no homozygotes.

Submissions (5):

OLLIN Analises Genomicas, OLLIN
Classification: Likely pathogenic for Very long chain acyl-CoA dehydrogenase deficiency. Last evaluated: 2026-08-06. Review status: criteria provided, single submitter. Criteria: ACMG Guidelines 2015 PMID 25741868. Collection method: clinical testing. Allele origin: germline. Inheritance: Autosomal recessive inheritance.
Comment: This missense variant, located in exon 13 (of 20), has been reported in ClinVar (accession VCV000021016.44) and in gnomAD with an allele frequency of 0.000062%. However, to our knowledge, it has not been reported in the scientific literature. In silico analysis predicts that this variant has a deleterious effect. Another pathogenic variant affecting the same amino acid residue has been reported. According to the currently available evidence, this variant has been classified as likely pathogenic (PM5, PM2_P, PM3, PP3).

Myriad Genetics, Inc.
Classification: Uncertain significance for Very long chain acyl-CoA dehydrogenase deficiency. Last evaluated: 2026-05-29. Review status: criteria provided, single submitter. Criteria: Myriad Autosomal Dominant, Autosomal Recessive and X-Linked Classification Criteria (2023). Collection method: clinical testing. Allele origin: unknown.
Comment: NM_000018.3(ACADVL):c.1322G>C(G441A) is a missense variant classified as a variant of uncertain significance in the context of very-long-chain acyl-CoA dehydrogenase deficiency. G441A has been observed in cases with relevant disease (PMID: 30617651, 30626930, Vilarinho_2010_(Abstract)). Relevant functional assessments of this variant are not available in the literature. G441A has been observed in referenced population frequency databases. In summary, there is insufficient evidence to classify NM_000018.3(ACADVL):c.1322G>C(G441A) as pathogenic or benign. Please note: this variant was assessed in the context of healthy population screening.

Dasa
Classification: Uncertain significance. Last evaluated: 2025-01-28. Review status: criteria provided, single submitter. Criteria: DASA Assertion Criteria. Collection method: clinical testing. Allele origin: germline.
Comment: NM_000018.4(ACADVL):c.1322G>C (p.Gly441Ala) is a missense variant that results in the substitution of glycine with alanine. The affected residue or protein region has prior evidence supporting clinical relevance. This variant is rare in population databases. Computational prediction algorithms are consistent with a deleterious effect. The currently available literature and clinical evidence are not sufficient to establish a definitive association between this variant and the reported condition. Therefore, this variant is classified as a variant of uncertain significance.

Labcorp Genetics (formerly Invitae), Labcorp
Classification: Pathogenic for Very long chain acyl-CoA dehydrogenase deficiency. Last evaluated: 2024-12-04. Review status: criteria provided, single submitter. Criteria: Invitae Variant Classification Sherloc (09022015). Collection method: clinical testing. Allele origin: germline.
Comment: This sequence change replaces glycine, which is neutral and non-polar, with alanine, which is neutral and non-polar, at codon 441 of the ACADVL protein (p.Gly441Ala). This variant is present in population databases (no rsID available, gnomAD 0.0009%). This missense change has been observed in individual(s) with clinical features of ACADVL-related conditions (internal data). In at least one individual the data is consistent with being in trans (on the opposite chromosome) from a pathogenic variant. ClinVar contains an entry for this variant (Variation ID: 803305). Invitae Evidence Modeling of protein sequence and biophysical properties (such as structural, functional, and spatial information, amino acid conservation, physicochemical variation, residue mobility, and thermodynamic stability) indicates that this missense variant is not expected to disrupt ACADVL protein function with a negative predictive value of 80%. This variant disrupts the p.Gly441 amino acid residue in ACADVL. Other variant(s) that disrupt this residue have been determined to be pathogenic (PMID: 8845838, 16443431, 17999356, 24305961). This suggests that this residue is clinically significant, and that variants that disrupt this residue are likely to be disease-causing. For these reasons, this variant has been classified as Pathogenic.

Mendelics
Classification: Uncertain significance for Very long chain acyl-CoA dehydrogenase deficiency. Last evaluated: 2019-05-28. Review status: criteria provided, single submitter. Criteria: Mendelics Assertion Criteria 2017. Collection method: clinical testing. Allele origin: unknown.

Literature cited by the submitters: PubMed 8845838 (cited by Labcorp Genetics (formerly Invitae), Labcorp); PubMed 16443431 (cited by Labcorp Genetics (formerly Invitae), Labcorp); PubMed 17999356 (cited by Labcorp Genetics (formerly Invitae), Labcorp); PubMed 24305961 (cited by Labcorp Genetics (formerly Invitae), Labcorp).